The following is an entry in ClinVar:

NM_172240.3(POC1B):c.425G>A (p.Arg142Gln)

Genes: POC1B (POC1 centriolar protein B; minus strand), POC1B-DUSP6 (POC1B-DUSP6 readthrough; minus strand). Cytogenetic location: 12q21.33.
Variant type: single nucleotide variant.
Coding change: c.425G>A on transcript NM_172240.3 (MANE Select); coding-DNA position 425, G replaced by A.
Protein change: p.Arg142Gln; replaces arginine 142 with glutamine.
Molecular consequence: missense variant. On other transcripts: non-coding transcript variant (2).
Genome position (GRCh38, 1-based): chr12:89,491,963, C>T on the plus strand (G>A on the coding strand, the complement: POC1B is on the minus strand). VCF-style: chr12-89491963-C-T. GRCh37 (hg19) VCF-style: chr12-89885740-C-T.
Other names: c.299G>A, p.Arg100Gln (NM_001199777.2); short protein forms R100Q, R142Q.
Identifiers: ClinVar variation 1063749 (VCV001063749.7), dbSNP rs752954312, ClinGen allele CA385991639.
Genomic context (GRCh38, chr12:89,491,963, plus strand): 5'-TGGACATCTTAATATGAAATTTTTTGCACTTACTTGGCACAGCGTACCCAGTGTGTATGT[C>T]GATACAAGGAATACAGGAAGCGCTGGCGATACATGCTCCATACTTTTATGGATTTGTCTT-3'
Protein context (NP_758440.1, residues 132-152): YRQRFLYSLY[Arg142Gln]HTHWVRCAKF

ClinVar aggregate classification (germline): Uncertain significance (1 of 4 stars; one submission).

gnomAD v4.1: 15 of 1,575,430 alleles (0.00095%); highest among the groups gnomAD compares: Admixed American, 0.012%; no homozygotes.

Submission:

Labcorp Genetics (formerly Invitae), Labcorp
Classification: Uncertain significance. Last evaluated: 2021-07-04. Review status: criteria provided, single submitter. Criteria: Invitae Variant Classification Sherloc (09022015). Collection method: clinical testing. Allele origin: germline.
Comment: In summary, the available evidence is currently insufficient to determine the role of this variant in disease. Therefore, it has been classified as a Variant of Uncertain Significance. Algorithms developed to predict the effect of missense changes on protein structure and function (SIFT, PolyPhen-2, Align-GVGD) all suggest that this variant is likely to be tolerated, but these predictions have not been confirmed by published functional studies and their clinical significance is uncertain. This variant has not been reported in the literature in individuals with POC1B-related conditions. This variant is not present in population databases (ExAC no frequency). This sequence change replaces arginine with glutamine at codon 142 of the POC1B protein (p.Arg142Gln). The arginine residue is moderately conserved and there is a small physicochemical difference between arginine and glutamine.